The following is an entry in ClinVar:

NM_000553.6(WRN):c.1388A>G (p.Tyr463Cys)

Gene: WRN (WRN RecQ like helicase; plus strand). Cytogenetic location: 8p12.
Variant type: single nucleotide variant.
Coding change: c.1388A>G on transcript NM_000553.6 (MANE Select); coding-DNA position 1388, A replaced by G.
Protein change: p.Tyr463Cys; replaces tyrosine 463 with cysteine.
Molecular consequence: missense variant.
Genome position (GRCh38, 1-based): chr8:31,085,203, A>G. VCF-style: chr8-31085203-A-G. GRCh37 (hg19) VCF-style: chr8-30942719-A-G.
Other names: short protein forms Y463C.
Identifiers: ClinVar variation 864794 (VCV000864794.7), dbSNP rs1339450958, ClinGen allele CA370923777.

ClinVar aggregate classification (germline): Uncertain significance. Review status: criteria provided, multiple submitters, no conflicts (2 of 4 stars). 2 submissions from 2 submitters: Uncertain significance (2). Last evaluated 2024-04-22.

Conditions:
Werner syndrome (WRN). Identifiers: Orphanet 902, MedGen C0043119, MONDO:0010196, OMIM 277700.

Allele frequency attached by ClinVar (database versions not stated): gnomAD exomes below 0.00001; gnomAD 0.00003 and 0.00004; TOPMed 0.00005.
gnomAD v4.1: 8 of 1,612,852 alleles (0.0005%); highest among the groups gnomAD compares: Admixed American, 0.0067%; no homozygotes.

Submissions (2):

Labcorp Genetics (formerly Invitae), Labcorp
Classification: Uncertain significance for Werner syndrome. Last evaluated: 2024-04-22. Review status: criteria provided, single submitter. Criteria: Invitae Variant Classification Sherloc (09022015). Collection method: clinical testing. Allele origin: germline.
Comment: This sequence change replaces tyrosine, which is neutral and polar, with cysteine, which is neutral and slightly polar, at codon 463 of the WRN protein (p.Tyr463Cys). This variant is present in population databases (no rsID available, gnomAD 0.004%). This variant has not been reported in the literature in individuals affected with WRN-related conditions. ClinVar contains an entry for this variant (Variation ID: 864794). Algorithms developed to predict the effect of missense changes on protein structure and function output the following: SIFT: "Not Available"; PolyPhen-2: "Benign"; Align-GVGD: "Not Available". The cysteine amino acid residue is found in multiple mammalian species, which suggests that this missense change does not adversely affect protein function. In summary, the available evidence is currently insufficient to determine the role of this variant in disease. Therefore, it has been classified as a Variant of Uncertain Significance.

Fulgent Genetics
Classification: Uncertain significance for Werner syndrome. Last evaluated: 2022-04-25. Review status: criteria provided, single submitter. Criteria: ACMG Guidelines, 2015. Collection method: clinical testing. Allele origin: unknown.